The following is an entry in ClinVar:

NM_080473.5(GATA5):c.914-9C>A

Gene: GATA5 (GATA binding protein 5; minus strand). Cytogenetic location: 20q13.33.
Variant type: single nucleotide variant.
Coding change: c.914-9C>A on transcript NM_080473.5 (MANE Select); 9 bases into the intron before coding-DNA position 914, C replaced by A.
Molecular consequence: intron variant.
Genome position (GRCh38, 1-based): chr20:62,465,473, G>T on the plus strand (C>A on the coding strand, the complement: GATA5 is on the minus strand). VCF-style: chr20-62465473-G-T. GRCh37 (hg19) VCF-style: chr20-61040529-G-T.
Identifiers: ClinVar variation 3658407 (VCV003658407.2).

ClinVar aggregate classification (germline): Uncertain significance (1 of 4 stars; one submission).

Submission:

Labcorp Genetics (formerly Invitae), Labcorp
Classification: Uncertain significance. Last evaluated: 2024-07-01. Review status: criteria provided, single submitter. Criteria: Invitae Variant Classification Sherloc (09022015). Collection method: clinical testing. Allele origin: germline.
Comment: This sequence change falls in intron 5 of the GATA5 gene. It does not directly change the encoded amino acid sequence of the GATA5 protein. This variant is not present in population databases (gnomAD no frequency). This variant has not been reported in the literature in individuals affected with GATA5-related conditions. Algorithms developed to predict the effect of sequence changes on RNA splicing suggest that this variant may disrupt the consensus splice site. In summary, the available evidence is currently insufficient to determine the role of this variant in disease. Therefore, it has been classified as a Variant of Uncertain Significance.